The following is an entry in ClinVar:

NM_015450.3(POT1):c.629T>A (p.Ile210Asn)

Gene: POT1 (protection of telomeres 1; minus strand). Cytogenetic location: 7q31.33.
Variant type: single nucleotide variant.
Coding change: c.629T>A on transcript NM_015450.3 (MANE Select); coding-DNA position 629, T replaced by A.
Protein change: p.Ile210Asn; replaces isoleucine 210 with asparagine.
Molecular consequence: missense variant. On other transcripts: non-coding transcript variant (3).
Genome position (GRCh38, 1-based): chr7:124,859,030, A>T on the plus strand (T>A on the coding strand, the complement: POT1 is on the minus strand). VCF-style: chr7-124859030-A-T. GRCh37 (hg19) VCF-style: chr7-124499084-A-T.
Other names: c.236T>A, p.Ile79Asn (NM_001042594.2); short protein forms I210N, I79N.
Identifiers: ClinVar variation 1006424 (VCV001006424.10), dbSNP rs1795517138, ClinGen allele CA369056375.

ClinVar aggregate classification (germline): Uncertain significance (1 of 4 stars; one submission).

Conditions:
Tumor predisposition syndrome 3 (TPDS3). Also called: Glioma susceptibility 9; LONG TELOMERE SYNDROME, POT1-RELATED; POT1 Tumor Predisposition; Melanoma, cutaneous malignant, susceptibility to, 10. Identifiers: Orphanet 618, MedGen C4014476, MONDO:0014368, OMIM 615848.

Allele frequency attached by ClinVar (database versions not stated): gnomAD exomes below 0.00001.
gnomAD v4.1: 1 of 1,610,790 alleles (0.000062%); no homozygotes.

Submission:

Labcorp Genetics (formerly Invitae), Labcorp
Classification: Uncertain significance for Tumor predisposition syndrome 3. Last evaluated: 2020-06-30. Review status: criteria provided, single submitter. Criteria: Invitae Variant Classification Sherloc (09022015). Collection method: clinical testing. Allele origin: germline.
Comment: Algorithms developed to predict the effect of missense changes on protein structure and function are either unavailable or do not agree on the potential impact of this missense change (SIFT: "Deleterious"; PolyPhen-2: "Benign"; Align-GVGD: "Class C0"). In summary, the available evidence is currently insufficient to determine the role of this variant in disease. Therefore, it has been classified as a Variant of Uncertain Significance. This variant has not been reported in the literature in individuals with POT1-related conditions. This variant is not present in population databases (ExAC no frequency). This sequence change replaces isoleucine with asparagine at codon 210 of the POT1 protein (p.Ile210Asn). The isoleucine residue is moderately conserved and there is a large physicochemical difference between isoleucine and asparagine.